The following is an entry in ClinVar:

ClinVar aggregate classification (germline): Uncertain significance (1 of 4 stars; one submission).

Conditions:
Kabuki syndrome. Also called: NIIKAWA-KUROKI SYNDROME; Kabuki make-up syndrome. Identifiers: Orphanet 2322, MedGen C0796004, MONDO:0016512.

Submission:

Labcorp Genetics (formerly Invitae), Labcorp
Classification: Uncertain significance for Kabuki syndrome. Last evaluated: 2024-05-01. Review status: criteria provided, single submitter. Criteria: Invitae Variant Classification Sherloc (09022015). Collection method: clinical testing. Allele origin: germline.
Comment: This sequence change replaces glutamine, which is neutral and polar, with glutamic acid, which is acidic and polar, at codon 4609 of the KMT2D protein (p.Gln4609Glu). This variant is not present in population databases (gnomAD no frequency). This variant has not been reported in the literature in individuals affected with KMT2D-related conditions. Advanced modeling of protein sequence and biophysical properties (such as structural, functional, and spatial information, amino acid conservation, physicochemical variation, residue mobility, and thermodynamic stability) performed at Invitae indicates that this missense variant is not expected to disrupt KMT2D protein function with a negative predictive value of 95%. In summary, the available evidence is currently insufficient to determine the role of this variant in disease. Therefore, it has been classified as a Variant of Uncertain Significance.

NM_003482.4(KMT2D):c.13825C>G (p.Gln4609Glu)

Gene: KMT2D (lysine methyltransferase 2D; minus strand). Cytogenetic location: 12q13.12.
Variant type: single nucleotide variant.
Coding change: c.13825C>G on transcript NM_003482.4 (MANE Select); coding-DNA position 13825, C replaced by G.
Protein change: p.Gln4609Glu; replaces glutamine 4609 with glutamic acid.
Molecular consequence: missense variant.
Genome position (GRCh38, 1-based): chr12:49,030,615, G>C on the plus strand (C>G on the coding strand, the complement: KMT2D is on the minus strand). VCF-style: chr12-49030615-G-C. GRCh37 (hg19) VCF-style: chr12-49424398-G-C.
Other names: short protein forms Q4609E.
Identifiers: ClinVar variation 2898522 (VCV002898522.3), dbSNP rs2120405798, ClinGen allele CA384701660.
Genomic context (GRCh38, chr12:49,030,615, plus strand): 5'-TCCCAAGAACTTCACTATTCCCAAAAAATATTGCCATTTTTCTGACCTTGGTAAGCAGCT[G>C]GGAATAGTAGTCAGGGCCAGTGGGCAGCGCCCCACTTCCAAAGGCCCCCCTCAGCTGGCT-3'
Protein context (NP_003473.3, residues 4599-4619): ALPTGPDYYS[Gln4609Glu]LLTKNNLSNP